The following is an entry in ClinVar:

NM_001194998.2(CEP152):c.3738G>T (p.Leu1246Phe)

Gene: CEP152 (centrosomal protein 152; minus strand). Cytogenetic location: 15q21.1.
Variant type: single nucleotide variant.
Coding change: c.3738G>T on transcript NM_001194998.2 (MANE Select); coding-DNA position 3738, G replaced by T.
Protein change: p.Leu1246Phe; replaces leucine 1246 with phenylalanine.
Molecular consequence: missense variant.
Genome position (GRCh38, 1-based): chr15:48,744,337, C>A on the plus strand (G>T on the coding strand, the complement: CEP152 is on the minus strand). VCF-style: chr15-48744337-C-A. GRCh37 (hg19) VCF-style: chr15-49036534-C-A.
Other names: c.3570G>T, p.Leu1190Phe (NM_014985.4); short protein forms L1190F, L1246F.
Identifiers: ClinVar variation 3049492 (VCV003049492.2), dbSNP rs942704966, ClinGen allele CA269526895.

ClinVar aggregate classification (germline): Uncertain significance (0 of 4 stars; one submission).

Conditions:
CEP152-related disorder. Also called: CEP152-related disorders; CEP152-related condition. Identifiers: MedGen CN239248.

Allele frequency attached by ClinVar (database versions not stated): gnomAD 0.00002; TOPMed 0.00002.
gnomAD v4.1: 54 of 1,613,810 alleles (0.0033%); highest among the groups gnomAD compares: Non-Finnish European, 0.0044%; no homozygotes.

Submission:

PreventionGenetics, part of Exact Sciences
Classification: Uncertain significance for CEP152-related condition. Last evaluated: 2023-12-19. Review status: no assertion criteria provided. Collection method: clinical testing. Allele origin: germline.
Comment: The CEP152 c.3738G>T variant is predicted to result in the amino acid substitution p.Leu1246Phe. To our knowledge, this variant has not been reported in the literature. This variant is reported in 0.0065% of alleles in individuals of European (Non-Finnish) descent in gnomAD. At this time, the clinical significance of this variant is uncertain due to the absence of conclusive functional and genetic evidence.